The following is an entry in ClinVar:

NM_002617.4(PEX10):c.601-14del

Gene: PEX10 (peroxisomal biogenesis factor 10; minus strand). Cytogenetic location: 1p36.32.
Variant type: Deletion.
Coding change: c.601-14del on transcript NM_002617.4 (MANE Select); 14 bases into the intron before coding-DNA position 601, one base deleted (C; older notation c.601-14delC).
Molecular consequence: intron variant. On other transcripts: frameshift variant (3).
Genome position (GRCh38, 1-based): chr1:2,406,909, G deleted on the plus strand (C on the coding strand, the reverse complement: PEX10 is on the minus strand); the first of 2 consecutive G bases (chr1:2,406,909-2,406,910); deleting either gives the same sequence. VCF-style (leftmost placement, unchanged base first): chr1-2406908-TG-T. GRCh37 (hg19) VCF-style: chr1-2338347-TG-T.
Other names: c.644del, p.Pro215fs (NM_001374425.1); c.212del, p.Pro71fs (NM_001374426.1); c.647del, p.Pro216fs (NM_153818.2); c.169-14del (NM_001374427.1); short protein forms P215fs, P216fs, P71fs.
Identifiers: ClinVar variation 1456172 (VCV001456172.6), dbSNP rs1643028060, ClinGen allele CA1149571005.

ClinVar aggregate classification (germline): Pathogenic (1 of 4 stars; one submission).

Conditions:
Peroxisome biogenesis disorder, complementation group 7 (CG7). Also called: Peroxisome biogenesis disorder, complementation group B. Identifiers: MedGen C1864399.

Submission:

Labcorp Genetics (formerly Invitae), Labcorp
Classification: Pathogenic for Peroxisome biogenesis disorder, complementation group 7. Last evaluated: 2024-11-13. Review status: criteria provided, single submitter. Criteria: Invitae Variant Classification Sherloc (09022015). Collection method: clinical testing. Allele origin: germline.
Comment: This sequence change creates a premature translational stop signal (p.Pro216Hisfs*16) in the PEX10 gene. It is expected to result in an absent or disrupted protein product. Loss-of-function variants in PEX10 are known to be pathogenic (PMID: 9683594, 10862081, 21031596). This variant is not present in population databases (gnomAD no frequency). This variant has not been reported in the literature in individuals affected with PEX10-related conditions. ClinVar contains an entry for this variant (Variation ID: 1456172). For these reasons, this variant has been classified as Pathogenic.

Literature cited by the submitters: PubMed 9683594; PubMed 10862081; PubMed 21031596.